The following is an entry in ClinVar:

ClinVar aggregate classification (germline): Uncertain significance. Review status: criteria provided, single submitter (1 of 4 stars). 2 submissions from 2 submitters: Uncertain significance (1). 1 of the submissions does not count toward it. Last evaluated 2022-10-05.

Conditions:
Zellweger spectrum disorders (ZS). Also called: Zellweger Spectrum Disorder; Zellweger Spectrum; Zellweger Spectrum Disorder (ZSD); Zellweger syndrome. Identifiers: Orphanet 912, MedGen C0043459, MONDO:0019609.

Submissions (2):

Labcorp Genetics (formerly Invitae), Labcorp
Classification: Uncertain significance for Zellweger spectrum disorders. Last evaluated: 2022-10-05. Review status: criteria provided, single submitter. Criteria: Invitae Variant Classification Sherloc (09022015). Collection method: clinical testing. Allele origin: germline.
Comment: Algorithms developed to predict the effect of sequence changes on RNA splicing suggest that this variant may disrupt the consensus splice site. Advanced modeling of protein sequence and biophysical properties (such as structural, functional, and spatial information, amino acid conservation, physicochemical variation, residue mobility, and thermodynamic stability) performed at Invitae indicates that this missense variant is not expected to disrupt PEX1 protein function. This variant has not been reported in the literature in individuals affected with PEX1-related conditions. This variant is not present in population databases (gnomAD no frequency). This sequence change replaces lysine, which is basic and polar, with arginine, which is basic and polar, at codon 497 of the PEX1 protein (p.Lys497Arg). In summary, the available evidence is currently insufficient to determine the role of this variant in disease. Therefore, it has been classified as a Variant of Uncertain Significance.

Natera, Inc.
Classification: Uncertain significance for Zellweger syndrome. Last evaluated: 2025-01-31. Review status: no assertion criteria provided. Collection method: clinical testing. Allele origin: germline. Not counted in ClinVar's aggregate classification.

NM_000466.3(PEX1):c.1490A>G (p.Lys497Arg)

Gene: PEX1 (peroxisomal biogenesis factor 1; minus strand). Cytogenetic location: 7q21.2.
Variant type: single nucleotide variant.
Coding change: c.1490A>G on transcript NM_000466.3 (MANE Select); coding-DNA position 1490, A replaced by G.
Protein change: p.Lys497Arg; replaces lysine 497 with arginine.
Molecular consequence: missense variant.
Genome position (GRCh38, 1-based): chr7:92,511,041, T>C on the plus strand (A>G on the coding strand, the complement: PEX1 is on the minus strand). VCF-style: chr7-92511041-T-C. GRCh37 (hg19) VCF-style: chr7-92140355-T-C.
Other names: c.1490A>G, p.Lys497Arg (NM_001282677.2); c.866A>G, p.Lys289Arg (NM_001282678.2); c.1490A>G (NM_000466.2); short protein forms K289R, K497R.
Identifiers: ClinVar variation 2119153 (VCV002119153.5), dbSNP rs2484685961, ClinGen allele CA368190408.